The following is an entry in ClinVar:

NM_003072.5(SMARCA4):c.556G>A (p.Ala186Thr)

Gene: SMARCA4 (SWI/SNF related BAF chromatin remodeling complex subunit ATPase 4; plus strand). Cytogenetic location: 19p13.2.
Variant type: single nucleotide variant.
Coding change: c.556G>A on transcript NM_003072.5 (MANE Select); coding-DNA position 556, G replaced by A.
Protein change: p.Ala186Thr; replaces alanine 186 with threonine.
Molecular consequence: missense variant. On other transcripts: non-coding transcript variant (1).
Genome position (GRCh38, 1-based): chr19:10,986,389, G>A. VCF-style: chr19-10986389-G-A. GRCh37 (hg19) VCF-style: chr19-11097065-G-A.
Other names: c.556G>A, p.Ala186Thr (NM_001128844.3, NM_001128845.2, NM_001128846.2 and 6 more transcripts); short protein forms A186T.
Identifiers: ClinVar variation 3636831 (VCV003636831.2).

ClinVar aggregate classification (germline): Uncertain significance (1 of 4 stars; one submission).

Conditions:
Rhabdoid tumor predisposition syndrome 2 (RTPS2). Identifiers: Orphanet 231108, Orphanet 69077, MedGen C2750074, MONDO:0013224, OMIM 613325.

gnomAD v4.1: 2 of 1,602,396 alleles (0.00012%); highest among the groups gnomAD compares: Non-Finnish European, 0.00017%; no homozygotes.

Submission:

Labcorp Genetics (formerly Invitae), Labcorp
Classification: Uncertain significance for Rhabdoid tumor predisposition syndrome 2. Last evaluated: 2024-09-01. Review status: criteria provided, single submitter. Criteria: Invitae Variant Classification Sherloc (09022015). Collection method: clinical testing. Allele origin: germline.
Comment: This sequence change replaces alanine, which is neutral and non-polar, with threonine, which is neutral and polar, at codon 186 of the SMARCA4 protein (p.Ala186Thr). The frequency data for this variant in the population databases is considered unreliable, as metrics indicate poor data quality at this position in the gnomAD database. This variant has not been reported in the literature in individuals affected with SMARCA4-related conditions. Invitae Evidence Modeling of protein sequence and biophysical properties (such as structural, functional, and spatial information, amino acid conservation, physicochemical variation, residue mobility, and thermodynamic stability) indicates that this missense variant is expected to disrupt SMARCA4 protein function with a positive predictive value of 95%. In summary, the available evidence is currently insufficient to determine the role of this variant in disease. Therefore, it has been classified as a Variant of Uncertain Significance.